The following is an entry in ClinVar:

NM_177438.3(DICER1):c.3884G>A (p.Gly1295Glu)

Gene: DICER1 (dicer 1, ribonuclease III; minus strand). Cytogenetic location: 14q32.13.
Variant type: single nucleotide variant.
Coding change: c.3884G>A on transcript NM_177438.3 (MANE Select); coding-DNA position 3884, G replaced by A.
Protein change: p.Gly1295Glu; replaces glycine 1295 with glutamic acid.
Molecular consequence: missense variant. On other transcripts: non-coding transcript variant (6).
Genome position (GRCh38, 1-based): chr14:95,103,512, C>T on the plus strand (G>A on the coding strand, the complement: DICER1 is on the minus strand). VCF-style: chr14-95103512-C-T. GRCh37 (hg19) VCF-style: chr14-95569849-C-T.
Other names: c.3884G>A, p.Gly1295Glu (NM_001395677.1, NM_001395683.1, NM_001395679.1 and 13 more transcripts); c.3602G>A, p.Gly1201Glu (NM_001395686.1); c.3479G>A, p.Gly1160Glu (NM_001395687.1, NM_001395688.1, NM_001395689.1 and 2 more transcripts); c.3317G>A, p.Gly1106Glu (NM_001395691.1); c.2201G>A, p.Gly734Glu (NM_001395697.1); short protein forms G734E, G1106E, G1160E, G1201E, G1295E.
Identifiers: ClinVar variation 1735831 (VCV001735831.2), dbSNP rs2139957165, ClinGen allele CA390873242.
Genomic context (GRCh38, chr14:95,103,512, plus strand): 5'-AGCCGCTCCAGGTTAAATCCATCACTAGCGTTTGACAGAGTCAAAGCCTGAAGAATAAGT[C>T]CAGGATTGGGGCCAAGAGTCCTTGAGGAGTACCCAATAGAAGGGCTCTGCTCAGAATCCA-3'
Protein context (NP_803187.1, residues 1285-1305): YSSRTLGPNP[Gly1295Glu]LILQALTLSN

ClinVar aggregate classification (germline): Uncertain significance (1 of 4 stars; one submission).

Conditions:
Hereditary cancer-predisposing syndrome. Also called: Neoplastic Syndromes, Hereditary; Tumor predisposition; Hereditary Cancer Syndrome; Hereditary neoplastic syndrome. Identifiers: Orphanet 140162, MedGen C0027672, MeSH D009386, MONDO:0015356.

Submission:

Ambry Genetics
Classification: Uncertain significance for Hereditary cancer-predisposing syndrome. Last evaluated: 2022-02-22. Review status: criteria provided, single submitter. Criteria: Ambry Variant Classification Scheme 2023. Collection method: clinical testing. Allele origin: germline.
Comment: The p.G1295E variant (also known as c.3884G>A), located in coding exon 20 of the DICER1 gene, results from a G to A substitution at nucleotide position 3884. The glycine at codon 1295 is replaced by glutamic acid, an amino acid with similar properties. This amino acid position is highly conserved in available vertebrate species. In addition, this alteration is predicted to be deleterious by in silico analysis. Since supporting evidence is limited at this time, the clinical significance of this alteration remains unclear.